The following is an entry in ClinVar:

NM_012247.5(SEPHS1):c.308C>A (p.Ala103Glu)

Gene: SEPHS1 (selenophosphate synthetase 1; minus strand). Cytogenetic location: 10p13.
Variant type: single nucleotide variant.
Coding change: c.308C>A on transcript NM_012247.5 (MANE Select); coding-DNA position 308, C replaced by A.
Protein change: p.Ala103Glu; replaces alanine 103 with glutamic acid.
Molecular consequence: missense variant. On other transcripts: non-coding transcript variant (1).
Genome position (GRCh38, 1-based): chr10:13,336,340, G>T on the plus strand (C>A on the coding strand, the complement: SEPHS1 is on the minus strand). VCF-style: chr10-13336340-G-T. GRCh37 (hg19) VCF-style: chr10-13378340-G-T.
Other names: c.107C>A, p.Ala36Glu (NM_001195602.2); c.308C>A, p.Ala103Glu (NM_001195604.2, NM_001375769.1); short protein forms A103E, A36E.
Identifiers: ClinVar variation 3361391 (VCV003361391.1).

ClinVar aggregate classification (germline): Uncertain significance (1 of 4 stars; one submission).

Submission:

GeneDx
Classification: Uncertain significance. Last evaluated: 2023-07-21. Review status: criteria provided, single submitter. Criteria: GeneDx Variant Classification Process June 2021. Collection method: clinical testing. Allele origin: germline. Affected: yes.
Comment: Has not been previously published as pathogenic or benign to our knowledge; Not observed at significant frequency in large population cohorts (gnomAD); In silico analysis supports that this missense variant has a deleterious effect on protein structure/function; Variants in candidate genes are classified as variants of uncertain significance in accordance with ACMG guidelines (Richards et al., 2015)